The following is an entry in ClinVar:

NM_007294.4(BRCA1):c.5467+11T>G

Gene: BRCA1 (BRCA1 DNA repair associated; minus strand). Cytogenetic location: 17q21.31.
Variant type: single nucleotide variant.
Coding change: c.5467+11T>G on transcript NM_007294.4 (MANE Select); 11 bases into the intron after coding-DNA position 5467, T replaced by G.
Molecular consequence: intron variant.
Genome position (GRCh38, 1-based): chr17:43,047,632, A>C on the plus strand (T>G on the coding strand, the complement: BRCA1 is on the minus strand). VCF-style: chr17-43047632-A-C. GRCh37 (hg19) VCF-style: chr17-41199649-A-C.
Other names: c.2014+11T>G (NM_001408458.1, NM_001408461.1, NM_001408464.1 and 7 more transcripts); c.4576+11T>G (NM_001407967.1); c.5086+11T>G (NM_001407959.1); c.5200+11T>G (NM_001407931.1, NM_001407932.1, NM_001407928.1 and 4 more transcripts); c.5323+11T>G (NM_001407747.1, NM_001407745.1, NM_001407737.1 and 18 more transcripts); c.5083+11T>G (NM_001407962.1, NM_001407960.1); c.1654+11T>G (NM_001408512.1); c.1777+11T>G (NM_001408510.1); and 83 more.
Identifiers: ClinVar variation 868934 (VCV000868934.6), dbSNP rs2050973142, ClinGen allele CA916080755.

ClinVar aggregate classification (germline): Likely benign (1 of 4 stars; one submission).

Conditions:
Hereditary breast ovarian cancer syndrome. Also called: Hereditary breast and ovarian cancer; Hereditary breast and ovarian cancer syndrome (HBOC); Breast and ovarian cancer; Hereditary breast and/or ovarian cancer syndrome; BRCA1- and BRCA2-Associated Hereditary Breast and Ovarian Cancer; Hereditary breast and ovarian cancer syndrome. Identifiers: Orphanet 145, MedGen C0677776, MeSH D061325, MONDO:0003582. Disease mechanism: loss of function.

Submissions (2):

Labcorp Genetics (formerly Invitae), Labcorp
Classification: Likely benign for Hereditary breast ovarian cancer syndrome. Last evaluated: 2023-11-09. Review status: criteria provided, single submitter. Criteria: Invitae Variant Classification Sherloc (09022015). Collection method: clinical testing. Allele origin: germline.

Brotman Baty Institute, University of Washington
No classification provided (evidence only). Condition: Breast-ovarian cancer, familial 1. Review status: no classification provided. Collection method: in vitro. Allele origin: not applicable. Functional consequence: functionally_normal. Not counted in ClinVar's aggregate classification.
ClinVar note: "not provided" was previously submitted as the classification for the variant. However, the classification appeared to be based only on an observation of functional data so it was converted to no classification on 2025-07-30.